The following is an entry in ClinVar:

ClinVar aggregate classification (germline): Uncertain significance (1 of 4 stars; one submission).

Conditions:
Waardenburg syndrome type 2A (WS2A). Also called: WAARDENBURG SYNDROME WITHOUT DYSTOPIA CANTHORUM. Identifiers: Orphanet 3440, MedGen C1860339, MONDO:0008671, OMIM 193510.
Tietz syndrome (TADS). Also called: ALBINISM-DEAFNESS OF TIETZ; HYPOPIGMENTATION/DEAFNESS OF TIETZ; TIETZ ALBINISM-DEAFNESS SYNDROME. Identifiers: Orphanet 42665, MedGen C0391816, MONDO:0007077, OMIM 103500.
Melanoma, cutaneous malignant, susceptibility to, 8. Also called: MELANOMA AND RENAL CELL CARCINOMA, SUSCEPTIBILITY TO; Cutaneous malignant melanoma 8. Identifiers: Orphanet 293822, MedGen C3152204, MONDO:0013759, OMIM 614456.

Submission:

Labcorp Genetics (formerly Invitae), Labcorp
Classification: Uncertain significance for Melanoma, cutaneous malignant, susceptibility to, 8; Waardenburg syndrome type 2A; Tietz syndrome. Last evaluated: 2024-02-01. Review status: criteria provided, single submitter. Criteria: Invitae Variant Classification Sherloc (09022015). Collection method: clinical testing. Allele origin: germline.
Comment: This sequence change replaces isoleucine, which is neutral and non-polar, with lysine, which is basic and polar, at codon 285 of the MITF protein (p.Ile285Lys). This variant is not present in population databases (gnomAD no frequency). This variant has not been reported in the literature in individuals affected with MITF-related conditions. Advanced modeling of protein sequence and biophysical properties (such as structural, functional, and spatial information, amino acid conservation, physicochemical variation, residue mobility, and thermodynamic stability) performed at Invitae indicates that this missense variant is expected to disrupt MITF protein function with a positive predictive value of 80%. In summary, the available evidence is currently insufficient to determine the role of this variant in disease. Therefore, it has been classified as a Variant of Uncertain Significance.

NM_001354604.2(MITF):c.1175T>A (p.Ile392Lys)

Gene: MITF (melanocyte inducing transcription factor; plus strand). Cytogenetic location: 3p13.
Variant type: single nucleotide variant.
Coding change: c.1175T>A on transcript NM_001354604.2 (MANE Select); coding-DNA position 1175, T replaced by A.
Protein change: p.Ile392Lys; replaces isoleucine 392 with lysine.
Molecular consequence: missense variant.
Genome position (GRCh38, 1-based): chr3:69,959,416, T>A. VCF-style: chr3-69959416-T-A. GRCh37 (hg19) VCF-style: chr3-70008567-T-A.
Other names: c.854T>A, p.Ile285Lys (NM_000248.4); c.1001T>A, p.Ile334Lys (NM_001184967.2, NM_001354608.2); c.1172T>A, p.Ile391Lys (NM_001354605.2); c.1154T>A, p.Ile385Lys (NM_001354606.2, NM_006722.3); c.1106T>A, p.Ile369Lys (NM_001354607.2); c.836T>A, p.Ile279Lys (NM_198158.3); c.1157T>A, p.Ile386Lys (NM_198159.3); c.1109T>A, p.Ile370Lys (NM_198177.3); and 1 more; short protein forms I223K, I279K, I285K, I334K, I369K, I370K, I385K, I386K.
Identifiers: ClinVar variation 3754310 (VCV003754310.2).